The following is an entry in ClinVar:

ClinVar aggregate classification (germline): Uncertain significance (1 of 4 stars; one submission).

Allele frequency attached by ClinVar (database versions not stated): ExAC 0.00001; gnomAD 0.00002.
gnomAD v4.1: 4 of 1,613,334 alleles (0.00025%); highest among the groups gnomAD compares: African/African-American, 0.004%; no homozygotes.

Submission:

Labcorp Genetics (formerly Invitae), Labcorp
Classification: Uncertain significance. Last evaluated: 2023-08-17. Review status: criteria provided, single submitter. Criteria: Invitae Variant Classification Sherloc (09022015). Collection method: clinical testing. Allele origin: germline.
Comment: In summary, the available evidence is currently insufficient to determine the role of this variant in disease. Therefore, it has been classified as a Variant of Uncertain Significance. Advanced modeling of protein sequence and biophysical properties (such as structural, functional, and spatial information, amino acid conservation, physicochemical variation, residue mobility, and thermodynamic stability) performed at Invitae indicates that this missense variant is not expected to disrupt SAG protein function. This variant has not been reported in the literature in individuals affected with SAG-related conditions. The frequency data for this variant in the population databases is considered unreliable, as metrics indicate poor data quality at this position in the gnomAD database. This sequence change replaces proline, which is neutral and non-polar, with threonine, which is neutral and polar, at codon 206 of the SAG protein (p.Pro206Thr).

NM_000541.5(SAG):c.616C>A (p.Pro206Thr)

Gene: SAG (S-antigen visual arrestin; plus strand). Cytogenetic location: 2q37.1.
Variant type: single nucleotide variant.
Coding change: c.616C>A on transcript NM_000541.5 (MANE Select); coding-DNA position 616, C replaced by A.
Protein change: p.Pro206Thr; replaces proline 206 with threonine.
Molecular consequence: missense variant.
Genome position (GRCh38, 1-based): chr2:233,328,581, C>A. VCF-style: chr2-233328581-C-A. GRCh37 (hg19) VCF-style: chr2-234237227-C-A.
Other names: short protein forms P206T.
Identifiers: ClinVar variation 2994957 (VCV002994957.3), dbSNP rs749426098, ClinGen allele CA2174447.